The following is an entry in ClinVar:

ClinVar aggregate classification (germline): Benign (1 of 4 stars; one submission).

Conditions:
Maturity-onset diabetes of the young (MODY). Also called: Maturity onset diabetes mellitus in young. Identifiers: Orphanet 552, MedGen C0342276, MONDO:0018911, HP:0004904.

Submission:

Clinical Genomics, Uppaluri K&H Personalized Medicine Clinic
Classification: Benign for Maturity-onset diabetes of the young. Review status: criteria provided, single submitter. Criteria: K & H Uppaluri Personalized Medicine Clinic Variant Classification & Assertion Criteria_Updated V.1. Collection method: research. Allele origin: unknown. Inheritance: Autosomal dominant inheritance.
Comment: HNF1B gene mutations are associated with early onset diabetes and pancreatic atrophy. It is also associated with multiple renal manifestations including renal cysts, Tubulointerstitial disease, glomerulocystic disease, renal hypoplasia, hypomagnesemia. However no sufficient evidence is found to ascertain the role of this particular variant rs3216929, yet.

Literature cited by the submitters: PubMed 24897035; PubMed 25536396; PubMed 27615128; PubMed 28215227; PubMed 33434175; PubMed 25741167; PubMed 26340261; PubMed 19639018.

NM_000458.4(HNF1B):c.545-73TCTG[3]

Genes: HNF1B (HNF1 homeobox B; minus strand), LOC126862549 (BRD4-independent group 4 enhancer GRCh37_chr17:36093401-36094600; plus strand). Cytogenetic location: 17q12.
Variant type: Microsatellite.
Coding change: c.545-73TCTG[3] on transcript NM_000458.4 (MANE Select); three copies in a row of the 4-base unit TCTG starting at c.545-73; the reference has six copies in a row; three copies, 12 bases deleted.
Molecular consequence: intron variant.
Genome position (GRCh38, 1-based): chr17:37,733,871-37,733,882, CAGACAGACAGA deleted on the plus strand (TCTGTCTGTCTG on the coding strand, the reverse complement: HNF1B is on the minus strand); deleting any 12 consecutive bases within chr17:37,733,871-37,733,896 gives the same sequence; the position shown is the placement nearest the transcript's 3' end. VCF-style (leftmost placement, unchanged base first): chr17-37733870-GCAGACAGACAGA-G. GRCh37 (hg19) VCF-style: chr17-36093863-GCAGACAGA-G.
Other names: c.545-151TCTG[3] (NM_001304286.2, NM_001165923.4).
Identifiers: ClinVar variation 1802528 (VCV001802528.1), dbSNP rs3216929, ClinGen allele CA771704038.
Genomic context (GRCh38, chr17:37,733,870, plus strand): 5'-TCTGGTTGAATTCTGAAAAGAGAAAGGAGTAGATTTGATAGGGTCTGTAGCCTTCACTCA[GCAGACAGACAGA>G]CAGACAGACAGACAACGGACGAAGACACCTTTATTCCCCTCGTCTAACTAAGCTTTGCAA-3'